The following is an entry in ClinVar:

ClinVar aggregate classification (germline): Uncertain significance (1 of 4 stars; one submission).

Conditions:
Chédiak-Higashi syndrome (CHS). Also called: Chediak-Higashi Syndrome. Identifiers: Orphanet 167, MedGen C0007965, MONDO:0008963, OMIM 214500.

Submission:

Labcorp Genetics (formerly Invitae), Labcorp
Classification: Uncertain significance for Chédiak-Higashi syndrome. Last evaluated: 2022-10-18. Review status: criteria provided, single submitter. Criteria: Invitae Variant Classification Sherloc (09022015). Collection method: clinical testing. Allele origin: germline.
Comment: Advanced modeling of protein sequence and biophysical properties (such as structural, functional, and spatial information, amino acid conservation, physicochemical variation, residue mobility, and thermodynamic stability) has been performed at Invitae for this missense variant, however the output from this modeling did not meet the statistical confidence thresholds required to predict the impact of this variant on LYST protein function. In summary, the available evidence is currently insufficient to determine the role of this variant in disease. Therefore, it has been classified as a Variant of Uncertain Significance. ClinVar contains an entry for this variant (Variation ID: 1386624). This variant has not been reported in the literature in individuals affected with LYST-related conditions. This variant is not present in population databases (gnomAD no frequency). This sequence change replaces leucine, which is neutral and non-polar, with valine, which is neutral and non-polar, at codon 264 of the LYST protein (p.Leu264Val).

NM_000081.4(LYST):c.790T>G (p.Leu264Val)

Gene: LYST (lysosomal trafficking regulator; minus strand). Cytogenetic location: 1q42.3.
Variant type: single nucleotide variant.
Coding change: c.790T>G on transcript NM_000081.4 (MANE Select); coding-DNA position 790, T replaced by G.
Protein change: p.Leu264Val; replaces leucine 264 with valine.
Molecular consequence: missense variant.
Genome position (GRCh38, 1-based): chr1:235,810,028, A>C on the plus strand (T>G on the coding strand, the complement: LYST is on the minus strand). VCF-style: chr1-235810028-A-C. GRCh37 (hg19) VCF-style: chr1-235973328-A-C.
Other names: c.790T>G, p.Leu264Val (NM_001301365.1); short protein forms L264V.
Identifiers: ClinVar variation 1386624 (VCV001386624.5), dbSNP rs2527125266, ClinGen allele CA344964274.